The following is an entry in ClinVar:

NM_002016.2(FLG):c.9603_9606del (p.Ser3202fs)

Genes: CCDST (cervical cancer associated DHX9 suppressive transcript; plus strand), FLG (filaggrin; minus strand). Cytogenetic location: 1q21.3.
Variant type: Deletion.
Coding change: c.9603_9606del on transcript NM_002016.2 (MANE Select); coding-DNA positions 9603 to 9606, 4 bases deleted (ATCA; older notation c.9603_9606delATCA).
Protein change: p.Ser3202fs; shifts the reading frame from serine 3202.
Molecular consequence: frameshift variant.
Genome position (GRCh38, 1-based): chr1:152,305,280-152,305,283, TGAT deleted on the plus strand (ATCA on the coding strand, the reverse complement: FLG is on the minus strand); deleting any 4 consecutive bases within chr1:152,305,280-152,305,285 gives the same sequence; the c. name uses the placement nearest the transcript's 3' end. VCF-style (leftmost placement, unchanged base first): chr1-152305279-CTGAT-C. GRCh37 (hg19) VCF-style: chr1-152277755-CTGAT-C.
Other names: short protein forms S3202fs.
Identifiers: ClinVar variation 4880737 (VCV004880737.2).

ClinVar aggregate classification (germline): Likely pathogenic (1 of 4 stars; one submission).

Submission:

Dasa
Classification: Likely pathogenic. Last evaluated: 2025-11-14. Review status: criteria provided, single submitter. Criteria: DASA Assertion Criteria. Collection method: clinical testing. Allele origin: germline.
Comment: NM_002016.2(FLG):c.9603_9606del (p.Ser3202Argfs*13) is a frameshift variant in FLG predicted to alter the reading frame and introduce a premature termination codon and is predicted to result in an absent or altered protein product. Loss of function is an established disease mechanism for FLG (PMID: 16444271; PMID: 27793761; PMID: 27667308). Also, this variant is rare in population databases. Based on the currently available evidence, this variant is classified as likely pathogenic.

Literature cited by the submitters: PubMed 16444271; PubMed 27793761; PubMed 27667308.